The following is an entry in ClinVar:

NM_000618.5(IGF1):c.*4411T>G

Genes: LINC02456 (long intergenic non-protein coding RNA 2456; plus strand), IGF1 (insulin like growth factor 1; minus strand). Cytogenetic location: 12q23.2.
Variant type: single nucleotide variant.
Coding change: c.*4411T>G on transcript NM_000618.5 (MANE Select); 4411 bases downstream of the stop codon, T replaced by G.
Molecular consequence: 3 prime UTR variant.
Genome position (GRCh38, 1-based): chr12:102,398,096, A>C on the plus strand (T>G on the coding strand, the complement: IGF1 is on the minus strand). VCF-style: chr12-102398096-A-C. GRCh37 (hg19) VCF-style: chr12-102791874-A-C.
Other names: c.*4445T>G (NM_001111283.3); c.*4411T>G (NM_001111284.2).
Identifiers: ClinVar variation 306856 (VCV000306856.5), dbSNP rs553956843, ClinGen allele CA10640685.
Genomic context (GRCh38, chr12:102,398,096, plus strand): 5'-AAGAACCAAGTCATTTTGAACATTAAGAAATTCATAAAGACTGTATAAAGTAAAAAAAAA[A>C]AAAAAACAAAAACAAGAAACAAAAAATCTTCACAGATTGTTAGCCATCTCTTTCAACAAT-3'

ClinVar aggregate classification (germline): Likely benign (1 of 4 stars; one submission).

Conditions:
Growth delay due to insulin-like growth factor type 1 deficiency (IGF1D). Also called: GROWTH RETARDATION WITH SENSORINEURAL DEAFNESS AND MENTAL RETARDATION; IGF1 DEFICIENCY. Identifiers: Orphanet 73272, MedGen C1837475, MONDO:0012110, OMIM 608747.

Allele frequency attached by ClinVar (database versions not stated): gnomAD 0.00042 and 0.00044; TOPMed 0.00043; 1000 Genomes Project 0.00100.

Submission:

Illumina Laboratory Services, Illumina
Classification: Likely benign for Growth delay due to insulin-like growth factor type 1 deficiency. Last evaluated: 2018-01-13. Review status: criteria provided, single submitter. Criteria: ICSL Variant Classification Criteria 13 December 2019. Collection method: clinical testing. Allele origin: germline.
Comment: This variant was observed in the ICSL laboratory as part of a predisposition screen in an ostensibly healthy population. It had not been previously curated by ICSL or reported in the Human Gene Mutation Database (HGMD: prior to June 1st, 2018), and was therefore a candidate for classification through an automated scoring system. Utilizing variant allele frequency, disease prevalence and penetrance estimates, and inheritance mode, an automated score was calculated to assess if this variant is too frequent to cause the disease. Based on the score and internal cut-off values, a variant classified as likely benign is not then subjected to further curation. The score for this variant resulted in a classification of likely benign for this disease.